The following is an entry in ClinVar:

ClinVar aggregate classification (germline): Pathogenic (1 of 4 stars; one submission).

Conditions:
Microcephaly-intellectual disability-sensorineural hearing loss-epilepsy-abnormal muscle tone syndrome (NEDHSB). Also called: NEURODEVELOPMENTAL DISORDER WITH HEARING LOSS, SEIZURES, AND BRAIN ABNORMALITIES. Identifiers: Orphanet 457351, MedGen C4225276, MONDO:0014698, OMIM 616577.

Submission:

Labcorp Genetics (formerly Invitae), Labcorp
Classification: Pathogenic for Microcephaly-intellectual disability-sensorineural hearing loss-epilepsy-abnormal muscle tone syndrome. Last evaluated: 2022-03-13. Review status: criteria provided, single submitter. Criteria: Invitae Variant Classification Sherloc (09022015). Collection method: clinical testing. Allele origin: germline.
Comment: This sequence change creates a premature translational stop signal (p.Met282Thrfs*8) in the SPATA5 gene. It is expected to result in an absent or disrupted protein product. Loss-of-function variants in SPATA5 are known to be pathogenic (PMID: 26299366). This variant is not present in population databases (gnomAD no frequency). This variant has not been reported in the literature in individuals affected with SPATA5-related conditions. For these reasons, this variant has been classified as Pathogenic.

Literature cited by the submitters: PubMed 26299366.

NM_145207.3(AFG2A):c.845_846del (p.Met282fs)

Gene: AFG2A (AAA ATPase AFG2A; plus strand). Cytogenetic location: 4q28.1.
Variant type: Deletion.
Coding change: c.845_846del on transcript NM_145207.3 (MANE Select); coding-DNA positions 845 to 846, 2 bases deleted (TG; older notation c.845_846delTG).
Protein change: p.Met282fs; shifts the reading frame from methionine 282.
Molecular consequence: frameshift variant.
Genome position (GRCh38, 1-based): chr4:122,934,436-122,934,437, TG deleted. VCF-style (leftmost placement, unchanged base first): chr4-122934435-ATG-A. GRCh37 (hg19) VCF-style: chr4-123855590-ATG-A.
Other names: c.842_843del, p.Met281fs (NM_001317799.2, NM_001345856.2); short protein forms M282fs, M281fs.
Identifiers: ClinVar variation 2111243 (VCV002111243.3), dbSNP rs2476807498, ClinGen allele CA2580071456.